The following is an entry in ClinVar:

NM_025114.4(CEP290):c.5137G>T (p.Glu1713Ter)

Gene: CEP290 (centrosomal protein 290; minus strand). Cytogenetic location: 12q21.32.
Variant type: single nucleotide variant.
Coding change: c.5137G>T on transcript NM_025114.4 (MANE Select); coding-DNA position 5137, G replaced by T.
Protein change: p.Glu1713Ter; replaces glutamic acid 1713 with a stop codon.
Molecular consequence: nonsense.
Genome position (GRCh38, 1-based): chr12:88,080,271, C>A on the plus strand (G>T on the coding strand, the complement: CEP290 is on the minus strand). VCF-style: chr12-88080271-C-A. GRCh37 (hg19) VCF-style: chr12-88474048-C-A.
Other names: short protein forms E1713*.
Identifiers: ClinVar variation 2018465 (VCV002018465.5), dbSNP rs2499910206, ClinGen allele CA385991178.

ClinVar aggregate classification (germline): Pathogenic. Review status: criteria provided, multiple submitters, no conflicts (2 of 4 stars). 2 submissions from 2 submitters: Pathogenic (2). Last evaluated 2024-11-01.

Conditions:
Meckel-Gruber syndrome. Also called: DYSENCEPHALIA SPLANCHNOCYSTICA; GRUBER SYNDROME; Dysencephalia splachnocystica. Identifiers: Orphanet 564, MedGen C0265215, MONDO:0018921.
Nephronophthisis. Also called: Juvenile Nephronophthisis. Identifiers: Orphanet 655, MedGen C0687120, MONDO:0019005, HP:0000090.
Joubert syndrome. Also called: JOUBERT-BOLTSHAUSER SYNDROME; Familial aplasia of the vermis. Identifiers: Orphanet 475, MedGen C5979921, MONDO:0018772.
CEP290-related ciliopathy. Also called: CEP290 ciliopathy. Identifiers: MedGen CN305601, MONDO:0100451.

Submissions (2):

Myriad Genetics, Inc.
Classification: Pathogenic for CEP290-related ciliopathy. Last evaluated: 2024-11-01. Review status: criteria provided, single submitter. Criteria: Myriad Autosomal Dominant, Autosomal Recessive and X-Linked Classification Criteria (2023). Collection method: clinical testing. Allele origin: unknown.
Comment: NM_025114.3(CEP290):c.5137G>T(E1713*) is expected to be pathogenic in the context of CEP290-related disorders. This variant is predicted to lead to an abnormal or absent protein product due to the creation of a premature termination codon in CEP290, a gene where loss-of-function variants are known to be pathogenic. Please note: this variant was assessed in the context of healthy population screening.

Labcorp Genetics (formerly Invitae), Labcorp
Classification: Pathogenic for Joubert syndrome; Meckel-Gruber syndrome; Nephronophthisis. Last evaluated: 2022-07-20. Review status: criteria provided, single submitter. Criteria: Invitae Variant Classification Sherloc (09022015). Collection method: clinical testing. Allele origin: germline.
Comment: This sequence change creates a premature translational stop signal (p.Glu1713*) in the CEP290 gene. It is expected to result in an absent or disrupted protein product. Loss-of-function variants in CEP290 are known to be pathogenic (PMID: 16909394, 17345604, 20690115). For these reasons, this variant has been classified as Pathogenic. This variant has not been reported in the literature in individuals affected with CEP290-related conditions. This variant is not present in population databases (gnomAD no frequency).

Literature cited by the submitters: PubMed 16909394 (cited by Labcorp Genetics (formerly Invitae), Labcorp); PubMed 17345604 (cited by Labcorp Genetics (formerly Invitae), Labcorp); PubMed 20690115 (cited by Labcorp Genetics (formerly Invitae), Labcorp).